The following is an entry in ClinVar:

ClinVar aggregate classification (germline): Uncertain significance. Review status: criteria provided, multiple submitters, no conflicts (2 of 4 stars). 2 submissions from 2 submitters: Uncertain significance (2). Last evaluated 2025-12-10.

Conditions:
Inborn genetic diseases. Identifiers: MedGen C0950123, MeSH D030342.
Anophthalmia-microphthalmia syndrome. Also called: Anophthalmia/Microphthalmia; Anophthalmia - microphthalmia. Identifiers: Orphanet 98555, MedGen C5680330, MONDO:0020147.

Allele frequency attached by ClinVar (database versions not stated): TOPMed below 0.00001; gnomAD exomes 0.00001.
gnomAD v4.1: 4 of 1,614,202 alleles (0.00025%); highest among the groups gnomAD compares: Admixed American, 0.0067%; no homozygotes.

Submissions (2):

Ambry Genetics
Classification: Uncertain significance for Inborn genetic diseases. Last evaluated: 2025-12-10. Review status: criteria provided, single submitter. Criteria: Ambry Variant Classification Scheme 2023. Collection method: clinical testing. Allele origin: germline.

Labcorp Genetics (formerly Invitae), Labcorp
Classification: Uncertain significance for Anophthalmia-microphthalmia syndrome. Last evaluated: 2025-12-10. Review status: criteria provided, single submitter. Criteria: Invitae Variant Classification Sherloc (09022015). Collection method: clinical testing. Allele origin: germline.
Comment: This sequence change replaces valine, which is neutral and non-polar, with leucine, which is neutral and non-polar, at codon 121 of the OTX2 protein (p.Val121Leu). This variant is present in population databases (no rsID available, gnomAD 0.006%). This variant has not been reported in the literature in individuals affected with OTX2-related conditions. ClinVar contains an entry for this variant (Variation ID: 1037465). An algorithm developed to predict the effect of missense changes on protein structure and function (PolyPhen-2) suggests that this variant is likely to be tolerated. In summary, the available evidence is currently insufficient to determine the role of this variant in disease. Therefore, it has been classified as a Variant of Uncertain Significance.

NM_021728.4(OTX2):c.385G>C (p.Val129Leu)

Gene: OTX2 (orthodenticle homeobox 2; minus strand). Cytogenetic location: 14q22.3.
Variant type: single nucleotide variant.
Coding change: c.385G>C on transcript NM_021728.4 (MANE Select); coding-DNA position 385, G replaced by C.
Protein change: p.Val129Leu; replaces valine 129 with leucine.
Molecular consequence: missense variant. On other transcripts: non-coding transcript variant (2).
Genome position (GRCh38, 1-based): chr14:56,802,244, C>G on the plus strand (G>C on the coding strand, the complement: OTX2 is on the minus strand). VCF-style: chr14-56802244-C-G. GRCh37 (hg19) VCF-style: chr14-57268962-C-G.
Other names: c.361G>C, p.Val121Leu (NM_001270523.2, NM_001270524.2, NM_172337.3); c.385G>C, p.Val129Leu (NM_001270525.2); c.361G>C (NM_172337.1); short protein forms V129L, V121L.
Identifiers: ClinVar variation 1037465 (VCV001037465.10), dbSNP rs1294096975, ClinGen allele CA390051970.
Genomic context (GRCh38, chr14:56,802,244, plus strand): 5'-TCGGGACTGAGGTGCTAGAGGGGGGAGTGAATTGGCCACTTGTTCCACTCTCTGAACTCA[C>G]TTCCCGAGCTGGAGATGTCTTCTTTTTGGCAGGTCTCACTTTGTTTTGACCTCCATTCTG-3'
Protein context (NP_068374.1, residues 119-139): AKKKTSPARE[Val129Leu]SSESGTSGQF